The following is an entry in ClinVar:

NM_182914.3(SYNE2):c.19670G>A (p.Arg6557Lys)

Gene: SYNE2 (spectrin repeat containing nuclear envelope protein 2; plus strand). Cytogenetic location: 14q23.2.
Variant type: single nucleotide variant.
Coding change: c.19670G>A on transcript NM_182914.3 (MANE Select); coding-DNA position 19670, G replaced by A.
Protein change: p.Arg6557Lys; replaces arginine 6557 with lysine.
Molecular consequence: missense variant.
Genome position (GRCh38, 1-based): chr14:64,219,220, G>A. VCF-style: chr14-64219220-G-A. GRCh37 (hg19) VCF-style: chr14-64685938-G-A.
Other names: c.19601G>A, p.Arg6534Lys (NM_015180.6); c.194G>A, p.Arg65Lys (NM_182910.2); c.572G>A, p.Arg191Lys (NM_182913.4); short protein forms R191K, R6534K, R6557K, R65K.
Identifiers: ClinVar variation 4713902 (VCV004713902.1).

ClinVar aggregate classification (germline): Uncertain significance (1 of 4 stars; one submission).

Conditions:
Emery-Dreifuss muscular dystrophy 5, autosomal dominant (EDMD5). Also called: EMERY-DREIFUSS MUSCULAR DYSTROPHY 5. Identifiers: Orphanet 261, MedGen C2751805, MONDO:0013072, OMIM 612999.

gnomAD v4.1: 1 of 1,611,920 alleles (0.000062%); highest among the groups gnomAD compares: Non-Finnish European, 0.000085%; no homozygotes.

Submission:

Labcorp Genetics (formerly Invitae), Labcorp
Classification: Uncertain significance for Emery-Dreifuss muscular dystrophy 5, autosomal dominant. Last evaluated: 2026-01-28. Review status: criteria provided, single submitter. Criteria: Invitae Variant Classification Sherloc (09022015). Collection method: clinical testing. Allele origin: germline.
Comment: This sequence change replaces arginine, which is basic and polar, with lysine, which is basic and polar, at codon 6557 of the SYNE2 protein (p.Arg6557Lys). This variant is not present in population databases (gnomAD no frequency). This variant has not been reported in the literature in individuals affected with SYNE2-related conditions. An algorithm developed to predict the effect of missense changes on protein structure and function (PolyPhen-2) suggests that this variant is likely to be disruptive. In summary, the available evidence is currently insufficient to determine the role of this variant in disease. Therefore, it has been classified as a Variant of Uncertain Significance.